The following is an entry in ClinVar:

NM_020949.3(SLC7A14):c.497T>C (p.Ile166Thr)

Genes: SLC7A14 (solute carrier family 7 member 14; minus strand), SLC7A14-AS1 (SLC7A14 antisense RNA 1; plus strand). Cytogenetic location: 3q26.2.
Variant type: single nucleotide variant.
Coding change: c.497T>C on transcript NM_020949.3 (MANE Select); coding-DNA position 497, T replaced by C.
Protein change: p.Ile166Thr; replaces isoleucine 166 with threonine.
Molecular consequence: missense variant.
Genome position (GRCh38, 1-based): chr3:170,501,153, A>G on the plus strand (T>C on the coding strand, the complement: SLC7A14 is on the minus strand). VCF-style: chr3-170501153-A-G. GRCh37 (hg19) VCF-style: chr3-170218942-A-G.
Other names: short protein forms I166T.
Identifiers: ClinVar variation 2184638 (VCV002184638.4), dbSNP rs774445683, ClinGen allele CA2701923.

ClinVar aggregate classification (germline): Uncertain significance (1 of 4 stars; one submission).

Allele frequency attached by ClinVar (database versions not stated): gnomAD 0.00001; TOPMed 0.00001; ExAC 0.00002; gnomAD exomes 0.00002.
gnomAD v4.1: 37 of 1,614,082 alleles (0.0023%); highest among the groups gnomAD compares: Non-Finnish European, 0.0029%; no homozygotes.

Submission:

Labcorp Genetics (formerly Invitae), Labcorp
Classification: Uncertain significance. Last evaluated: 2022-10-07. Review status: criteria provided, single submitter. Criteria: Invitae Variant Classification Sherloc (09022015). Collection method: clinical testing. Allele origin: germline.
Comment: In summary, the available evidence is currently insufficient to determine the role of this variant in disease. Therefore, it has been classified as a Variant of Uncertain Significance. Algorithms developed to predict the effect of missense changes on protein structure and function are either unavailable or do not agree on the potential impact of this missense change (SIFT: "Deleterious"; PolyPhen-2: "Probably Damaging"; Align-GVGD: "Class C0"). This variant has not been reported in the literature in individuals affected with SLC7A14-related conditions. This variant is present in population databases (rs774445683, gnomAD 0.003%). This sequence change replaces isoleucine, which is neutral and non-polar, with threonine, which is neutral and polar, at codon 166 of the SLC7A14 protein (p.Ile166Thr).